The following is an entry in ClinVar:

NM_000135.4(FANCA):c.79+4G>C

Genes: FANCA (FA complementation group A; minus strand), LOC112486223 (Sharpr-MPRA regulatory region 3988; plus strand). Cytogenetic location: 16q24.3.
Variant type: single nucleotide variant.
Coding change: c.79+4G>C on transcript NM_000135.4 (MANE Select); 4 bases into the intron after coding-DNA position 79, G replaced by C.
Molecular consequence: intron variant.
Genome position (GRCh38, 1-based): chr16:89,816,533, C>G on the plus strand (G>C on the coding strand, the complement: FANCA is on the minus strand). VCF-style: chr16-89816533-C-G. GRCh37 (hg19) VCF-style: chr16-89882941-C-G.
Other names: c.79+4G>C (NM_001286167.3, NM_001351830.2, NM_001018112.3).
Identifiers: ClinVar variation 847170 (VCV000847170.7), dbSNP rs2041136967, ClinGen allele CA916081866.

ClinVar aggregate classification (germline): Uncertain significance (1 of 4 stars; one submission).

Conditions:
Fanconi anemia (FA). Also called: Fanconi's anemia. Identifiers: Orphanet 84, MedGen C0015625, MeSH D005199, MONDO:0019391.

gnomAD v4.1: 2 of 1,493,100 alleles (0.00013%); no homozygotes.

Submission:

Labcorp Genetics (formerly Invitae), Labcorp
Classification: Uncertain significance for Fanconi anemia. Last evaluated: 2021-08-31. Review status: criteria provided, single submitter. Criteria: Invitae Variant Classification Sherloc (09022015). Collection method: clinical testing. Allele origin: germline.
Comment: This sequence change falls in intron 1 of the FANCA gene. It does not directly change the encoded amino acid sequence of the FANCA protein. It affects a nucleotide within the consensus splice site of the intron. The frequency data for this variant in the population databases is considered unreliable, as metrics indicate insufficient coverage at this position in the ExAC database. This variant has not been reported in the literature in individuals affected with FANCA-related conditions. Variants that disrupt the consensus splice site are a relatively common cause of aberrant splicing (PMID: 17576681, 9536098). Algorithms developed to predict the effect of sequence changes on RNA splicing suggest that this variant is not likely to affect RNA splicing. In summary, the available evidence is currently insufficient to determine the role of this variant in disease. Therefore, it has been classified as a Variant of Uncertain Significance.

Literature cited by the submitters: PubMed 17576681; PubMed 9536098.